The following is an entry in ClinVar:

NC_000009.11:g.(?_140605409)_(140605492_?)dup

Gene: EHMT1 (euchromatic histone lysine methyltransferase 1; plus strand). Cytogenetic location: 9q34.3.
Variant type: Duplication.
Identifiers: ClinVar variation 1067492 (VCV001067492.6).

ClinVar aggregate classification (germline): Likely pathogenic (1 of 4 stars; one submission).

Conditions:
Kleefstra syndrome 1 (KLEFS1). Identifiers: Orphanet 261494, MedGen C0795833, MONDO:0027407, OMIM 610253.

Submission:

Labcorp Genetics (formerly Invitae), Labcorp
Classification: Likely pathogenic for Kleefstra syndrome 1. Last evaluated: 2020-06-08. Review status: criteria provided, single submitter. Criteria: Invitae Variant Classification Sherloc (09022015). Collection method: clinical testing. Allele origin: germline.
Comment: This variant results in a copy number gain of the genomic region encompassing exon(s) 2 of the EHMT1 gene. While the exact position of this variant cannot be determined from the data, sub-genic copy number gains are generally in tandem (PMID: 25640679). This variant is predicted to be out-of-frame, and may result in an absent or disrupted protein product. This variant has not been reported in the literature in individuals with EHMT1-related conditions. Loss-of-function variants in EHMT1 are known to be pathogenic (PMID: 16826528, 19264732). In summary, the currently available evidence indicates that the variant is pathogenic, but additional data are needed to prove that conclusively. Therefore, this variant has been classified as Likely Pathogenic.

Literature cited by the submitters: PubMed 25640679; PubMed 16826528; PubMed 19264732.